The following is an entry in ClinVar:

ClinVar aggregate classification (germline): Uncertain significance (1 of 4 stars; one submission).

Conditions:
FG syndrome (FGS). Identifiers: MedGen C0220769, MONDO:0002010.

Submission:

Labcorp Genetics (formerly Invitae), Labcorp
Classification: Uncertain significance for FG syndrome. Last evaluated: 2023-02-10. Review status: criteria provided, single submitter. Criteria: Invitae Variant Classification Sherloc (09022015). Collection method: clinical testing. Allele origin: germline.
Comment: In summary, the available evidence is currently insufficient to determine the role of this variant in disease. Therefore, it has been classified as a Variant of Uncertain Significance. Experimental studies and prediction algorithms are not available or were not evaluated, and the functional significance of this variant is currently unknown. This variant has not been reported in the literature in individuals affected with MED12-related conditions. This variant is not present in population databases (gnomAD no frequency). This variant, c.133_138del, results in the deletion of 2 amino acid(s) of the MED12 protein (p.Phe45_Asn46del), but otherwise preserves the integrity of the reading frame.

NM_005120.3(MED12):c.133_138del (p.Phe45_Asn46del)

Gene: MED12 (mediator complex subunit 12; plus strand). Cytogenetic location: Xq13.1.
Variant type: Deletion.
Coding change: c.133_138del on transcript NM_005120.3 (MANE Select); coding-DNA positions 133 to 138, 6 bases deleted (TTCAAT; older notation c.133_138delTTCAAT).
Protein change: p.Phe45_Asn46del.
Molecular consequence: inframe deletion.
Genome position (GRCh38, 1-based): chrX:71,119,406-71,119,411, TTCAAT deleted; deleting any 6 consecutive bases within chrX:71,119,405-71,119,411 gives the same sequence; the c. name uses the placement nearest the transcript's 3' end. VCF-style (leftmost placement, unchanged base first): chrX-71119404-GTTTCAA-G. GRCh37 (hg19) VCF-style: chrX-70339254-GTTTCAA-G.
Identifiers: ClinVar variation 2836031 (VCV002836031.3), dbSNP rs2519660903, ClinGen allele CA2739273592.
Genomic context (GRCh38, chrX:71,119,404, plus strand): 5'-AACAACTAAACGCCGCTTTCCTGCCTCAGGATGAACTGACGGCCTTGAATGTAAAACAAG[GTTTCAA>G]TAACCAGCCTGCTGTCTCTGGGGATGAGCATGGCAGTGCCAAGAACGTCAGCTTCAATCC-3'